The following is an entry in ClinVar:

NM_000548.5(TSC2):c.2013C>T (p.Gly671=)

Gene: TSC2 (TSC complex subunit 2; plus strand). Cytogenetic location: 16p13.3.
Variant type: single nucleotide variant.
Coding change: c.2013C>T on transcript NM_000548.5 (MANE Select); coding-DNA position 2013, C replaced by T.
Protein change: p.Gly671=; no amino-acid change (glycine 671 retained).
Molecular consequence: synonymous variant.
Genome position (GRCh38, 1-based): chr16:2,071,850, C>T. VCF-style: chr16-2071850-C-T. GRCh37 (hg19) VCF-style: chr16-2121851-C-T.
Other names: c.2013C>T, p.Gly671= (NM_001077183.3, NM_001114382.3, NM_001363528.2 and 3 more transcripts); c.1902C>T, p.Gly634= (NM_001318827.2); c.1866C>T, p.Gly622= (NM_001318829.2); c.1413C>T, p.Gly471= (NM_001318831.2); c.2046C>T, p.Gly682= (NM_001318832.2).
Identifiers: ClinVar variation 467916 (VCV000467916.13), dbSNP rs566848799, ClinGen allele CA493042583.

ClinVar aggregate classification (germline): Benign/Likely benign. Review status: criteria provided, multiple submitters, no conflicts (2 of 4 stars). 3 submissions from 3 submitters: Benign (1); Likely benign (2). Last evaluated 2026-09-02.

Conditions:
Hereditary cancer-predisposing syndrome. Also called: Neoplastic Syndromes, Hereditary; Hereditary neoplastic syndrome; Hereditary Cancer Syndrome; Tumor predisposition. Identifiers: Orphanet 140162, MedGen C0027672, MeSH D009386, MONDO:0015356.
Tuberous sclerosis 2 (TSC2). Identifiers: Orphanet 805, MedGen C1860707, MONDO:0013199, OMIM 613254.

Allele frequency attached by ClinVar (database versions not stated): TOPMed 0.00002.
gnomAD v4.1: 4 of 1,576,654 alleles (0.00025%); highest among the groups gnomAD compares: African/African-American, 0.0014%; no homozygotes.

Submissions (3):

Ambry Genetics
Classification: Likely benign for Hereditary cancer-predisposing syndrome. Last evaluated: 2026-09-02. Review status: criteria provided, single submitter. Criteria: Ambry Variant Classification Scheme 2023. Collection method: clinical testing. Allele origin: germline.

Myriad Genetics, Inc.
Classification: Benign for Tuberous sclerosis 2. Last evaluated: 2025-05-16. Review status: criteria provided, single submitter. Criteria: Myriad Autosomal Dominant, Autosomal Recessive and X-Linked Classification Criteria (2023). Collection method: clinical testing. Allele origin: unknown.
Comment: This variant is considered benign. This variant is a silent/synonymous amino acid change and it is not expected to impact splicing.

Labcorp Genetics (formerly Invitae), Labcorp
Classification: Likely benign for Tuberous sclerosis 2. Last evaluated: 2024-12-26. Review status: criteria provided, single submitter. Criteria: Invitae Variant Classification Sherloc (09022015). Collection method: clinical testing. Allele origin: germline.